The following is an entry in ClinVar:

ClinVar aggregate classification (germline): Likely benign. Review status: criteria provided, multiple submitters, no conflicts (2 of 4 stars). 2 submissions from 2 submitters: Likely benign (2). Last evaluated 2023-08-30.

Conditions:
Combined immunodeficiency due to ORAI1 deficiency. Also called: IMMUNODEFICIENCY 9. Identifiers: Orphanet 169090, Orphanet 317428, MedGen C2748568, MONDO:0013007, OMIM 612782.
Myopathy, tubular aggregate, 2 (TAM2). Identifiers: MedGen C4014557, MONDO:0014383, OMIM 615883.

Allele frequency attached by ClinVar (database versions not stated): gnomAD 0.00001; TOPMed 0.00001.

Submissions (2):

Labcorp Genetics (formerly Invitae), Labcorp
Classification: Likely benign for Myopathy, tubular aggregate, 2; Combined immunodeficiency due to ORAI1 deficiency. Last evaluated: 2023-08-30. Review status: criteria provided, single submitter. Criteria: Invitae Variant Classification Sherloc (09022015). Collection method: clinical testing. Allele origin: germline.

CeGaT Center for Human Genetics Tuebingen
Classification: Likely benign. Last evaluated: 2022-10-01. Review status: criteria provided, single submitter. Criteria: CeGaT Center For Human Genetics Tuebingen Variant Classification Criteria Version 2. Collection method: clinical testing. Allele origin: germline. Affected: yes. Observed: 1 variant allele.
Comment: ORAI1: BP4, BP7

NC_000012.12:g.121626894C>T

Genes: ORAI1 (ORAI calcium release-activated calcium modulator 1; plus strand), LOC130008987 (ATAC-STARR-seq lymphoblastoid silent region 4981; plus strand). Cytogenetic location: 12q24.31.
Variant type: single nucleotide variant.
Genome position: GRCh38 VCF-style: chr12-121626894-C-T. GRCh37 (hg19) VCF-style: chr12-122064800-C-T.
Other names: c.147C>T, p.Ala49= (NM_032790.4).
Identifiers: ClinVar variation 1128882 (VCV001128882.33), dbSNP rs1305999158, ClinGen allele CA684498616.